The following is an entry in ClinVar:

NM_152296.5(ATP1A3):c.2512_2516delinsTC (p.Arg838_Leu839delinsSer)

Gene: ATP1A3 (ATPase Na+/K+ transporting subunit alpha 3; minus strand). Cytogenetic location: 19q13.2.
Variant type: Indel.
Coding change: c.2512_2516delinsTC on transcript NM_152296.5 (MANE Select); coding-DNA positions 2512 to 2516, AGACT replaced by TC.
Protein change: p.Arg838_Leu839delinsSer.
Molecular consequence: inframe indel.
Genome position (GRCh38, 1-based): chr19:41,970,211-41,970,215, AGTCT replaced by GA on the plus strand (AGACT replaced by TC on the coding strand, the reverse complement: ATP1A3 is on the minus strand). VCF-style: chr19-41970211-AGTCT-GA. GRCh37 (hg19) VCF-style: chr19-42474363-AGTCT-GA.
Other names: c.2512_2516delinsTC, p.Arg838_Leu839delinsSer (LRG_1186t1); c.2551_2555delinsTC, p.Arg851_Leu852delinsSer (NM_001256214.2); c.2512_2516delAGACTinsTC (NM_152296.5).
Identifiers: ClinVar variation 369662 (VCV000369662.3), dbSNP rs1057516032, ClinGen allele CA10654769.

ClinVar aggregate classification (germline): Likely pathogenic (1 of 4 stars; one submission).

Conditions:
ATP1A3-associated neurological disorder. Also called: ATP1A3-related neurologic disorders. Identifiers: MedGen CN305087, MONDO:0700002.

Submission:

Victorian Clinical Genetics Services, Murdoch Childrens Research Institute
Classification: Likely pathogenic for ATP1A3-associated neurological disorder. Last evaluated: 2024-10-10. Review status: criteria provided, single submitter. Criteria: ACMG Guidelines, 2015. Collection method: clinical testing. Allele origin: germline. Inheritance: Autosomal dominant inheritance. Affected: yes.
Comment: Based on the classification scheme VCGS_Germline_v1.3.5, this variant is classified as Likely pathogenic. Following criteria are met: 0102 - Loss of function is a known mechanism of disease in this gene and is associated with ATP1A3-associated neurological disorder (MONDO:0700002). (I) 0107 - This gene is associated with autosomal dominant disease. (I) 0112 - The condition associated with this gene has incomplete penetrance. Incomplete penetrance has been observed for the dystonia-12 phenotype, several members of larger families have been reported as having xa heterozygous pathogenic variant but no symptoms (PMID: 20301294). (I) 0115 - Variants in this gene are known to have variable expressivity. ATP1A3-related disorders represent a clinical continuum (PMID: 35945798). (I) 0213 - In-frame deletion-insertion in a non-repetitive region that has high conservation. (SP) 0251 - This variant is heterozygous. (I) 0301 - Variant is absent from gnomAD (v2, v3 and v4). (SP) 0600 - Variant is located in the annotated cation ATPase C domain (DECIPHER). (I) 0705 - No comparable in-frame deletion-insertion variants have previous evidence for pathogenicity. (I) 0807 - This variant has no previous evidence of pathogenicity. (I) 0905 - No published segregation evidence has been identified for this variant. (I) 1007 - No published functional evidence has been identified for this variant. (SP) Legend: (SP) - Supporting pathogenic, (I) - Information, (SB) - Supporting benign

Literature cited by the submitters: PubMed 20301294; PubMed 35945798; PubMed 26938784.